The following is an entry in ClinVar:

NM_013372.7(GREM1):c.537A>G (p.Ile179Met)

Gene: GREM1 (gremlin 1, DAN family BMP antagonist; plus strand). Cytogenetic location: 15q13.3.
Variant type: single nucleotide variant.
Coding change: c.537A>G on transcript NM_013372.7 (MANE Select); coding-DNA position 537, A replaced by G.
Protein change: p.Ile179Met; replaces isoleucine 179 with methionine.
Molecular consequence: missense variant.
Genome position (GRCh38, 1-based): chr15:32,731,227, A>G. VCF-style: chr15-32731227-A-G. GRCh37 (hg19) VCF-style: chr15-33023428-A-G.
Other names: c.327A>G, p.Ile109Met (NM_001191322.2); c.414A>G, p.Ile138Met (NM_001191323.2); c.537A>G, p.Ile179Met (NM_001368719.1); short protein forms I109M, I179M, I138M.
Identifiers: ClinVar variation 3855658 (VCV003855658.1).
Genomic context (GRCh38, chr15:32,731,227, plus strand): 5'-TGAACTACAGCCACCTACCAAGAAGAAGAGAGTCACACGTGTGAAGCAGTGTCGTTGCAT[A>G]TCCATCGATTTGGATTAAGCCAAATCCAGGTGCACCCAGCATGTCCTAGGAATGCAGCCC-3'
Protein context (NP_037504.1, residues 169-184): RVTRVKQCRC[Ile179Met]SIDLD

ClinVar aggregate classification (germline): Uncertain significance (1 of 4 stars; one submission).

Conditions:
Hereditary cancer-predisposing syndrome. Also called: Hereditary neoplastic syndrome; Neoplastic Syndromes, Hereditary; Tumor predisposition; Hereditary Cancer Syndrome. Identifiers: Orphanet 140162, MedGen C0027672, MeSH D009386, MONDO:0015356.

gnomAD v4.1: 1 of 1,613,702 alleles (0.000062%); highest among the groups gnomAD compares: Non-Finnish European, 0.000085%; no homozygotes.

Submission:

Ambry Genetics
Classification: Uncertain significance for Hereditary cancer-predisposing syndrome. Last evaluated: 2024-12-15. Review status: criteria provided, single submitter. Criteria: Ambry Variant Classification Scheme 2023. Collection method: clinical testing. Allele origin: germline.
Comment: The p.I179M variant (also known as c.537A>G), located in coding exon 1 of the GREM1 gene, results from an A to G substitution at nucleotide position 537. The isoleucine at codon 179 is replaced by methionine, an amino acid with highly similar properties. This amino acid position is conserved. In addition, this alteration is predicted to be tolerated by in silico analysis. Based on the available evidence, the clinical significance of this variant remains unclear.